The following is an entry in ClinVar:

NM_002473.6(MYH9):c.1108+3A>G

Gene: MYH9 (myosin heavy chain 9; minus strand). Cytogenetic location: 22q12.3.
Variant type: single nucleotide variant.
Coding change: c.1108+3A>G on transcript NM_002473.6 (MANE Select); 3 bases into the intron after coding-DNA position 1108, A replaced by G.
Molecular consequence: intron variant.
Genome position (GRCh38, 1-based): chr22:36,319,537, T>C on the plus strand (A>G on the coding strand, the complement: MYH9 is on the minus strand). VCF-style: chr22-36319537-T-C. GRCh37 (hg19) VCF-style: chr22-36715582-T-C.
Identifiers: ClinVar variation 3700490 (VCV003700490.2).

ClinVar aggregate classification (germline): Uncertain significance (1 of 4 stars; one submission).

gnomAD v4.1: 4 of 1,614,100 alleles (0.00025%); highest among the groups gnomAD compares: Non-Finnish European, 0.00034%; no homozygotes.

Submission:

Labcorp Genetics (formerly Invitae), Labcorp
Classification: Uncertain significance. Last evaluated: 2024-11-25. Review status: criteria provided, single submitter. Criteria: Invitae Variant Classification Sherloc (09022015). Collection method: clinical testing. Allele origin: germline.
Comment: This sequence change falls in intron 10 of the MYH9 gene. It does not directly change the encoded amino acid sequence of the MYH9 protein. It affects a nucleotide within the consensus splice site. This variant is present in population databases (rs372016779, gnomAD 0.0009%). This variant has not been reported in the literature in individuals affected with MYH9-related conditions. Variants that disrupt the consensus splice site are a relatively common cause of aberrant splicing (PMID: 17576681, 9536098). Algorithms developed to predict the effect of sequence changes on RNA splicing suggest that this variant is not likely to affect RNA splicing. In summary, the available evidence is currently insufficient to determine the role of this variant in disease. Therefore, it has been classified as a Variant of Uncertain Significance.

Literature cited by the submitters: PubMed 17576681; PubMed 9536098.